The following is an entry in ClinVar:

NM_004304.5(ALK):c.3939-1G>A

Gene: ALK (ALK receptor tyrosine kinase; minus strand). Cytogenetic location: 2p23.2.
Variant type: single nucleotide variant.
Coding change: c.3939-1G>A on transcript NM_004304.5 (MANE Select); the canonical splice acceptor site of the intron before coding-DNA position 3939, G replaced by A.
Molecular consequence: splice acceptor variant.
Genome position (GRCh38, 1-based): chr2:29,197,677, C>T on the plus strand (G>A on the coding strand, the complement: ALK is on the minus strand). VCF-style: chr2-29197677-C-T. GRCh37 (hg19) VCF-style: chr2-29420543-C-T.
Other names: c.735-1G>A (NM_001353765.2).
Identifiers: ClinVar variation 3523729 (VCV003523729.1).

ClinVar aggregate classification (germline): Uncertain significance (1 of 4 stars; one submission).

Conditions:
Hereditary cancer-predisposing syndrome. Also called: Hereditary Cancer Syndrome; Hereditary neoplastic syndrome; Tumor predisposition; Neoplastic Syndromes, Hereditary. Identifiers: Orphanet 140162, MedGen C0027672, MeSH D009386, MONDO:0015356.

Submission:

Ambry Genetics
Classification: Uncertain significance for Hereditary cancer-predisposing syndrome. Last evaluated: 2024-12-05. Review status: criteria provided, single submitter. Criteria: Ambry Variant Classification Scheme 2023. Collection method: clinical testing. Allele origin: germline.
Comment: The c.3939-1G>A intronic variant results from a G to A substitution one nucleotide upstream from coding exon 27 of the ALK gene. This nucleotide position is highly conserved in available vertebrate species. In silico splice site analysis predicts that this alteration may weaken the native splice acceptor site. Alterations that disrupt the canonical splice site are expected to cause aberrant splicing, resulting in an abnormal protein or a transcript that is subject to nonsense-mediated mRNA decay. However, loss of function of ALK has not been established as a mechanism of disease. Based on the available evidence, the clinical significance of this alteration remains unclear.